The following is an entry in ClinVar:

ClinVar aggregate classification (germline): Pathogenic (1 of 4 stars; one submission).

Submission:

Labcorp Genetics (formerly Invitae), Labcorp
Classification: Pathogenic. Last evaluated: 2022-08-13. Review status: criteria provided, single submitter. Criteria: Invitae Variant Classification Sherloc (09022015). Collection method: clinical testing. Allele origin: germline.
Comment: For these reasons, this variant has been classified as Pathogenic. This sequence change creates a premature translational stop signal (p.Glu185*) in the AP3B2 gene. It is expected to result in an absent or disrupted protein product. Loss-of-function variants in AP3B2 are known to be pathogenic (PMID: 27889060). This variant is not present in population databases (gnomAD no frequency). This variant has not been reported in the literature in individuals affected with AP3B2-related conditions.

Literature cited by the submitters: PubMed 27889060.

NM_001278512.2(AP3B2):c.553G>T (p.Glu185Ter)

Genes: AP3B2 (adaptor related protein complex 3 subunit beta 2; minus strand), CPEB1-AS1 (CPEB1 antisense RNA 1; plus strand). Cytogenetic location: 15q25.2.
Variant type: single nucleotide variant.
Coding change: c.553G>T on transcript NM_001278512.2 (MANE Select); coding-DNA position 553, G replaced by T.
Protein change: p.Glu185Ter; replaces glutamic acid 185 with a stop codon.
Molecular consequence: nonsense.
Genome position (GRCh38, 1-based): chr15:82,681,147, C>A on the plus strand (G>T on the coding strand, the complement: AP3B2 is on the minus strand). VCF-style: chr15-82681147-C-A. GRCh37 (hg19) VCF-style: chr15-83349899-C-A.
Other names: c.457G>T, p.Glu153Ter (NM_001278511.2); c.553G>T, p.Glu185Ter (NM_004644.5); short protein forms E185*, E153*.
Identifiers: ClinVar variation 2023943 (VCV002023943.4), dbSNP rs2548712141, ClinGen allele CA393296336.